The following is an entry in ClinVar:

ClinVar aggregate classification (germline): Likely benign. Review status: criteria provided, single submitter (1 of 4 stars). 2 submissions from 2 submitters: Likely benign (1). 1 of the submissions does not count toward it. Last evaluated 2024-02-17.

Conditions:
ATP1A3-related disorder. Also called: ATP1A3-related condition; ATP1A3-related disorders. Identifiers: MedGen CN381097.
Dystonia 12 (DYT12). Also called: Rapid-Onset Dystonia-Parkinsonism (RDP); DYT-ATP1A3. Identifiers: Orphanet 71517, MedGen C1868681, MONDO:0007496, OMIM 128235.

Allele frequency attached by ClinVar (database versions not stated): ExAC 0.00002; gnomAD exomes 0.00002; TOPMed 0.00002; ESP Exome Variant Server 0.00008.
gnomAD v4.1: 22 of 1,614,166 alleles (0.0014%); highest among the groups gnomAD compares: Middle Eastern, 0.016%; no homozygotes.

Submissions (2):

Labcorp Genetics (formerly Invitae), Labcorp
Classification: Likely benign for Dystonia 12. Last evaluated: 2024-02-17. Review status: criteria provided, single submitter. Criteria: Invitae Variant Classification Sherloc (09022015). Collection method: clinical testing. Allele origin: germline.

PreventionGenetics, part of Exact Sciences
Classification: Likely benign for ATP1A3-related condition. Last evaluated: 2023-07-16. Review status: no assertion criteria provided. Collection method: clinical testing. Allele origin: germline. Not counted in ClinVar's aggregate classification.
Comment: This variant is classified as likely benign based on ACMG/AMP sequence variant interpretation guidelines (Richards et al. 2015 PMID: 25741868, with internal and published modifications).

NM_152296.5(ATP1A3):c.2457C>T (p.Ser819=)

Gene: ATP1A3 (ATPase Na+/K+ transporting subunit alpha 3; minus strand). Cytogenetic location: 19q13.2.
Variant type: single nucleotide variant.
Coding change: c.2457C>T on transcript NM_152296.5 (MANE Select); coding-DNA position 2457, C replaced by T.
Protein change: p.Ser819=; no amino-acid change (serine 819 retained).
Molecular consequence: synonymous variant.
Genome position (GRCh38, 1-based): chr19:41,970,270, G>A on the plus strand (C>T on the coding strand, the complement: ATP1A3 is on the minus strand). VCF-style: chr19-41970270-G-A. GRCh37 (hg19) VCF-style: chr19-42474422-G-A.
Other names: c.2496C>T (NM_001256214.1); c.2490C>T, p.Ser830= (NM_001256213.2); c.2496C>T, p.Ser832= (NM_001256214.2).
Identifiers: ClinVar variation 1111534 (VCV001111534.11), dbSNP rs374697524, ClinGen allele CA9467377.
Genomic context (GRCh38, chr19:41,970,270, plus strand): 5'-GAGTCTCTCATTGACCAATTTGTCCGTCCGCGGGTTCCTGGGCTGTCTCTTCATGATGTC[G>A]CTTTCGGCAGCCTCGTACGCCAGTGAGATGGCAGGGACCTAGGCGGAGGAGGCCGGGTGA-3'
Protein context (NP_689509.1, residues 809-829): AISLAYEAAE[Ser819=]DIMKRQPRNP